The following is an entry in ClinVar:

NM_001018115.3(FANCD2):c.1068T>A (p.Tyr356Ter)

Genes: FANCD2 (FA complementation group D2; plus strand), LOC107303338 (3p25 FANCD2 Alu-mediated recombination region; plus strand). Cytogenetic location: 3p25.3.
Variant type: single nucleotide variant.
Coding change: c.1068T>A on transcript NM_001018115.3 (MANE Select); coding-DNA position 1068, T replaced by A.
Protein change: p.Tyr356Ter; replaces tyrosine 356 with a stop codon.
Molecular consequence: nonsense.
Genome position (GRCh38, 1-based): chr3:10,043,562, T>A. VCF-style: chr3-10043562-T-A. GRCh37 (hg19) VCF-style: chr3-10085246-T-A.
Other names: c.1068T>A, p.Tyr356Ter (NM_001319984.2, NM_001374253.1, NM_001374254.1 and 1 more transcripts); short protein forms Y356*.
Identifiers: ClinVar variation 1690778 (VCV001690778.8), dbSNP rs531943246, ClinGen allele CA351730848.

ClinVar aggregate classification (germline): Pathogenic/Likely pathogenic. Review status: criteria provided, multiple submitters, no conflicts (2 of 4 stars). 4 submissions from 4 submitters: Pathogenic (1); Likely pathogenic (3). Last evaluated 2025-05-05.

Conditions:
Fanconi anemia (FA). Also called: Fanconi's anemia. Identifiers: Orphanet 84, MedGen C0015625, MeSH D005199, MONDO:0019391.
Fanconi anemia complementation group D2. Also called: FANCD2-Related Fanconi Anemia; FANCONI PANCYTOPENIA, TYPE 4; FANCONI ANEMIA, COMPLEMENTATION GROUP D. Identifiers: Orphanet 84, MedGen C3160738, MONDO:0009214, OMIM 227646.

Submissions (4):

Dasa
Classification: Likely pathogenic. Last evaluated: 2025-05-05. Review status: criteria provided, single submitter. Criteria: DASA Assertion Criteria. Collection method: clinical testing. Allele origin: germline.
Comment: NM_001018115.3(FANCD2):c.1068T>A (p.Tyr356*) is a nonsense variant in FANCD2 predicted to introduce a premature termination codon and is predicted to result in an absent or altered protein product. Loss of function is an established disease mechanism for FANCD2-associated disorders. Also, this variant is absent from population databases. Based on the currently available evidence, this variant is classified as likely pathogenic.

Baylor Genetics
Classification: Likely pathogenic for Fanconi anemia complementation group D2. Last evaluated: 2023-12-07. Review status: criteria provided, single submitter. Criteria: ACMG Guidelines, 2015. Collection method: clinical testing. Allele origin: unknown.

Labcorp Genetics (formerly Invitae), Labcorp
Classification: Pathogenic for Fanconi anemia. Last evaluated: 2023-11-22. Review status: criteria provided, single submitter. Criteria: Invitae Variant Classification Sherloc (09022015). Collection method: clinical testing. Allele origin: germline.
Comment: This sequence change creates a premature translational stop signal (p.Tyr356*) in the FANCD2 gene. It is expected to result in an absent or disrupted protein product. Loss-of-function variants in FANCD2 are known to be pathogenic (PMID: 17436244). This variant is not present in population databases (gnomAD no frequency). This premature translational stop signal has been observed in individual(s) with clinical features of Fanconi anemia (PMID: 31586946). ClinVar contains an entry for this variant (Variation ID: 1690778). Algorithms developed to predict the effect of sequence changes on RNA splicing suggest that this variant may disrupt the consensus splice site. For these reasons, this variant has been classified as Pathogenic.

Laboratorio de Genetica e Diagnostico Molecular, Hospital Israelita Albert Einstein
Classification: Likely pathogenic. Last evaluated: 2020-01-21. Review status: criteria provided, single submitter. Criteria: ACMG Guidelines, 2015. Collection method: clinical testing. Allele origin: germline. Affected: yes.
Comment: ACMG classification criteria: PVS1, PM2

Literature cited by the submitters: PubMed 17436244 (cited by Labcorp Genetics (formerly Invitae), Labcorp); PubMed 31586946 (cited by Labcorp Genetics (formerly Invitae), Labcorp).